The following is an entry in ClinVar:

NM_018713.3(SLC30A10):c.1337G>A (p.Ser446Asn)

Gene: SLC30A10 (solute carrier family 30 member 10; minus strand). Cytogenetic location: 1q41.
Variant type: single nucleotide variant.
Coding change: c.1337G>A on transcript NM_018713.3 (MANE Select); coding-DNA position 1337, G replaced by A.
Protein change: p.Ser446Asn; replaces serine 446 with asparagine.
Molecular consequence: missense variant. On other transcripts: non-coding transcript variant (2).
Genome position (GRCh38, 1-based): chr1:219,915,570, C>T on the plus strand (G>A on the coding strand, the complement: SLC30A10 is on the minus strand). VCF-style: chr1-219915570-C-T. GRCh37 (hg19) VCF-style: chr1-220088912-C-T.
Other names: c.1148G>A, p.Ser383Asn (NM_001376929.1); c.1337G>A (NM_018713.2); short protein forms S383N, S446N.
Identifiers: ClinVar variation 2163162 (VCV002163162.3), dbSNP rs767250708, ClinGen allele CA1399127.

ClinVar aggregate classification (germline): Uncertain significance. Review status: criteria provided, multiple submitters, no conflicts (2 of 4 stars). 2 submissions from 2 submitters: Uncertain significance (2). Last evaluated 2025-03-27.

Conditions:
Inborn genetic diseases. Identifiers: MedGen C0950123, MeSH D030342.

Allele frequency attached by ClinVar (database versions not stated): ExAC 0.00001; gnomAD 0.00005; TOPMed 0.00003; gnomAD exomes 0.00007.
gnomAD v4.1: 109 of 1,614,136 alleles (0.0068%); highest among the groups gnomAD compares: Non-Finnish European, 0.0086%; no homozygotes.

Submissions (2):

Ambry Genetics
Classification: Uncertain significance for Inborn genetic diseases. Last evaluated: 2025-03-27. Review status: criteria provided, single submitter. Criteria: Ambry Variant Classification Scheme 2023. Collection method: clinical testing. Allele origin: germline.

Labcorp Genetics (formerly Invitae), Labcorp
Classification: Uncertain significance. Last evaluated: 2022-04-12. Review status: criteria provided, single submitter. Criteria: Invitae Variant Classification Sherloc (09022015). Collection method: clinical testing. Allele origin: germline.
Comment: This sequence change replaces serine, which is neutral and polar, with asparagine, which is neutral and polar, at codon 446 of the SLC30A10 protein (p.Ser446Asn). This variant is present in population databases (rs767250708, gnomAD 0.004%). This variant has not been reported in the literature in individuals affected with SLC30A10-related conditions. Algorithms developed to predict the effect of missense changes on protein structure and function (SIFT, PolyPhen-2, Align-GVGD) all suggest that this variant is likely to be tolerated. In summary, the available evidence is currently insufficient to determine the role of this variant in disease. Therefore, it has been classified as a Variant of Uncertain Significance.